The following is an entry in ClinVar:

NM_014009.4(FOXP3):c.991T>G (p.Phe331Val)

Gene: FOXP3 (forkhead box P3; minus strand). Cytogenetic location: Xp11.23.
Variant type: single nucleotide variant.
Coding change: c.991T>G on transcript NM_014009.4 (MANE Select); coding-DNA position 991, T replaced by G.
Protein change: p.Phe331Val; replaces phenylalanine 331 with valine.
Molecular consequence: missense variant.
Genome position (GRCh38, 1-based): chrX:49,253,179, A>C on the plus strand (T>G on the coding strand, the complement: FOXP3 is on the minus strand). VCF-style: chrX-49253179-A-C. GRCh37 (hg19) VCF-style: chrX-49109640-A-C.
Other names: c.886T>G, p.Phe296Val (NM_001114377.2); short protein forms F296V, F331V.
Identifiers: ClinVar variation 4976887 (VCV004976887.1).

ClinVar aggregate classification (germline): Likely pathogenic (1 of 4 stars; one submission).

Conditions:
Insulin-dependent diabetes mellitus secretory diarrhea syndrome (IPEX). Also called: DIABETES MELLITUS, CONGENITAL INSULIN-DEPENDENT, WITH FATAL SECRETORY DIARRHEA; DIARRHEA, POLYENDOCRINOPATHY, FATAL INFECTION SYNDROME, X-LINKED; ENTEROPATHY, AUTOIMMUNE, WITH HEMOLYTIC ANEMIA AND POLYENDOCRINOPATHY; IMMUNODEFICIENCY, POLYENDOCRINOPATHY, AND ENTEROPATHY, X-LINKED; Immunodysregulation, polyendocrinopathy, and enteropathy, X-linked; X-Linked Autoimmunity-Allergic Dysregulation Syndrome. Identifiers: Orphanet 37042, MedGen C0342288, MONDO:0010580, OMIM 304790. Disease mechanism: loss of function.

Submission:

Hambleton Lab, Translational and Clinical Research Institute, Newcastle University
Classification: Likely pathogenic for Insulin-dependent diabetes mellitus secretory diarrhea syndrome. Last evaluated: 2026-09-14. Review status: criteria provided, single submitter. Criteria: ACMG Guidelines, 2015. Collection method: clinical testing. Allele origin: germline. Inheritance: X-linked recessive inheritance. Affected: yes.
Comment: We have identified this variant in 2 brothers with classical IPEX successufully cured by stem cell transplant. The variant is absent from control databses and the variant cosegregates with patients in the family (i.e. NOT in unaffected maternal uncle). Furthermore, an additional unrelated infant with a classical IPEX presentation was published previously.

Literature cited by the submitters: PubMed 36600150.